The following is an entry in ClinVar:

NM_001267550.2(TTN):c.72267_72270del (p.Asn24089fs)

Genes: TTN (titin; minus strand), TTN-AS1 (TTN antisense RNA 1; plus strand). Cytogenetic location: 2q31.2.
Variant type: Deletion.
Coding change: c.72267_72270del on transcript NM_001267550.2 (MANE Select); coding-DNA positions 72267 to 72270, 4 bases deleted (CAAA; older notation c.72267_72270delCAAA).
Protein change: p.Asn24089fs; shifts the reading frame from asparagine 24089.
Molecular consequence: frameshift variant.
Genome position (GRCh38, 1-based): chr2:178,573,862-178,573,865, TTTG deleted on the plus strand (CAAA on the coding strand, the reverse complement: TTN is on the minus strand); deleting any 4 consecutive bases within chr2:178,573,862-178,573,868 gives the same sequence; the c. name uses the placement nearest the transcript's 3' end. VCF-style (leftmost placement, unchanged base first): chr2-178573861-CTTTG-C. GRCh37 (hg19) VCF-style: chr2-179438588-CTTTG-C.
Other names: c.67344_67347del, p.Asn22448fs (NM_001256850.1); c.45072_45075del, p.Asn15024fs (NM_003319.4); c.64563_64566del, p.Asn21521fs (NM_133378.4); c.45447_45450del, p.Asn15149fs (NM_133432.3); c.45648_45651del, p.Asn15216fs (NM_133437.4); c.45072_45075delCAAA (NM_003319.4); short protein forms N15216fs, N15024fs, N21521fs, N24089fs, N15149fs, N22448fs.
Identifiers: ClinVar variation 3812257 (VCV003812257.1).
Genomic context (GRCh38, chr2:178,573,861, plus strand): 5'-CAAAGCCACCAGGATTAGTCGCTGTAAGGGTATAGGCACCACTATCCCTTCTTGTTGAAT[CTTTG>C]TTTACCAGATTAGTAGAGAAATCTGCAATTTTTATTTCTAACTTTGCTGTGCCTTCCAGC-3'

ClinVar aggregate classification (germline): Likely pathogenic (1 of 4 stars; one submission).

Conditions:
Cardiovascular phenotype. Identifiers: MedGen CN230736.

Submission:

Ambry Genetics
Classification: Likely pathogenic for Cardiovascular phenotype. Last evaluated: 2025-02-05. Review status: criteria provided, single submitter. Criteria: Ambry Variant Classification Scheme 2023. Collection method: clinical testing. Allele origin: germline.
Comment: The c.45072_45075delCAAA variant, located in coding exon 153 of the TTN gene, results from a deletion of 4 nucleotides at nucleotide positions 45072 to 45075, causing a translational frameshift with a predicted alternate stop codon (p.N15024Kfs*43). This exon is located in the A-band region of the N2-B isoform of the titin protein and is constitutively expressed in TTN transcripts (percent spliced in or PSI 100%). This variant is considered to be rare based on population cohorts in the Genome Aggregation Database (gnomAD). This variant is expected to result in loss of function by premature protein truncation or nonsense-mediated mRNA decay. While truncating variants in TTN are present in 1-3% of the general population, truncating variants in the A-band are the most common cause of dilated cardiomyopathy (Herman DS et al. N. Engl. J. Med., 2012 Feb;366:619-28; Roberts AM et al. Sci Transl Med, 2015 Jan;7:270ra6). TTN truncating variants encoded in constitutive exons (PSI >90%) have been found to be significantly associated with DCM regardless of their position in titin (Schafer S et al. Nat. Genet., 2017 01;49:46-53; Akhtar MM et al. Circ Heart Fail, 2020 Oct;13:e006832; Massier M et al. Clin Genet, 2025 Jan). Based on the majority of available evidence to date, this variant is likely to be pathogenic.